The following is an entry in ClinVar:

ClinVar aggregate classification (germline): Likely benign. Review status: criteria provided, multiple submitters, no conflicts (2 of 4 stars). 2 submissions from 2 submitters: Likely benign (2). Last evaluated 2024-11-13.

Conditions:
Papillary renal cell carcinoma type 1 (RCCP1). Also called: RENAL CELL CARCINOMA, PAPILLARY, 1, SOMATIC; Renal adenocarcinoma; Renal cell carcinoma 1; Renal cell carcinoma, somatic. Identifiers: Orphanet 47044, MedGen C1336839, OMIM 605074, HP:0011797.
Renal cell carcinoma. Identifiers: Orphanet 217071, MedGen C0007134, MeSH D002292, MONDO:0005086, HP:0005584.

Allele frequency attached by ClinVar (database versions not stated): gnomAD 0.00001; TOPMed 0.00002.

Submissions (2):

Myriad Genetics, Inc.
Classification: Likely benign for Papillary renal cell carcinoma type 1. Last evaluated: 2024-11-13. Review status: criteria provided, single submitter. Criteria: Myriad Autosomal Dominant, Autosomal Recessive and X-Linked Classification Criteria (2023). Collection method: clinical testing. Allele origin: unknown.
Comment: This variant is considered likely benign. This variant is intronic and is not expected to impact mRNA splicing.

Labcorp Genetics (formerly Invitae), Labcorp
Classification: Likely benign for Renal cell carcinoma. Last evaluated: 2023-12-08. Review status: criteria provided, single submitter. Criteria: Invitae Variant Classification Sherloc (09022015). Collection method: clinical testing. Allele origin: germline.

NM_000245.4(MET):c.3633-18T>C

Gene: MET (MET proto-oncogene, receptor tyrosine kinase; plus strand). Cytogenetic location: 7q31.2.
Variant type: single nucleotide variant.
Coding change: c.3633-18T>C on transcript NM_000245.4 (MANE Select); 18 bases into the intron before coding-DNA position 3633, T replaced by C.
Molecular consequence: intron variant.
Genome position (GRCh38, 1-based): chr7:116,783,286, T>C. VCF-style: chr7-116783286-T-C. GRCh37 (hg19) VCF-style: chr7-116423340-T-C.
Other names: c.3687-18T>C (NM_001127500.3); c.2343-18T>C (NM_001324402.2).
Identifiers: ClinVar variation 2974519 (VCV002974519.4), dbSNP rs1795206173, ClinGen allele CA1106257362.